The following is an entry in ClinVar:

ClinVar aggregate classification (germline): Conflicting classifications of pathogenicity. Review status: criteria provided, conflicting classifications (1 of 4 stars). 2 submissions from 2 submitters: Uncertain significance (1); Likely benign (1). Last evaluated 2025-05-11.

Conditions:
Hereditary cancer-predisposing syndrome. Also called: Neoplastic Syndromes, Hereditary; Tumor predisposition; Hereditary Cancer Syndrome; Hereditary neoplastic syndrome. Identifiers: Orphanet 140162, MedGen C0027672, MeSH D009386, MONDO:0015356.
Familial cancer of breast. Also called: BREAST CANCER, FAMILIAL; hereditary breast carcinoma; Hereditary breast cancer. Identifiers: Orphanet 227535, MedGen C0346153, MONDO:0016419, OMIM 114480. Disease mechanism: loss of function.

Submissions (2):

Labcorp Genetics (formerly Invitae), Labcorp
Classification: Uncertain significance for Familial cancer of breast. Last evaluated: 2025-05-11. Review status: criteria provided, single submitter. Criteria: Invitae Variant Classification Sherloc (09022015). Collection method: clinical testing. Allele origin: germline.
Comment: This sequence change replaces proline, which is neutral and non-polar, with serine, which is neutral and polar, at codon 207 of the PALB2 protein (p.Pro207Ser). This variant is not present in population databases (gnomAD no frequency). This variant has not been reported in the literature in individuals affected with PALB2-related conditions. ClinVar contains an entry for this variant (Variation ID: 233315). An algorithm developed to predict the effect of missense changes on protein structure and function outputs the following: PolyPhen-2: "Benign". The serine amino acid residue is found in multiple mammalian species, which suggests that this missense change does not adversely affect protein function. In summary, the available evidence is currently insufficient to determine the role of this variant in disease. Therefore, it has been classified as a Variant of Uncertain Significance.

Ambry Genetics
Classification: Likely benign for Hereditary cancer-predisposing syndrome. Last evaluated: 2024-10-30. Review status: criteria provided, single submitter. Criteria: Ambry Variant Classification Scheme 2023. Collection method: clinical testing. Allele origin: germline.

NM_024675.4(PALB2):c.619C>T (p.Pro207Ser)

Gene: PALB2 (partner and localizer of BRCA2; minus strand). Cytogenetic location: 16p12.2.
Variant type: single nucleotide variant.
Coding change: c.619C>T on transcript NM_024675.4 (MANE Select); coding-DNA position 619, C replaced by T.
Protein change: p.Pro207Ser; replaces proline 207 with serine.
Molecular consequence: missense variant.
Genome position (GRCh38, 1-based): chr16:23,635,927, G>A on the plus strand (C>T on the coding strand, the complement: PALB2 is on the minus strand). VCF-style: chr16-23635927-G-A. GRCh37 (hg19) VCF-style: chr16-23647248-G-A.
Other names: short protein forms P207S.
Identifiers: ClinVar variation 233315 (VCV000233315.16), dbSNP rs374090568, ClinGen allele CA10580036.